The following is an entry in ClinVar:

NM_017780.4(CHD7):c.6720T>G (p.Asp2240Glu)

Gene: CHD7 (chromodomain helicase DNA binding protein 7; plus strand). Cytogenetic location: 8q12.2.
Variant type: single nucleotide variant.
Coding change: c.6720T>G on transcript NM_017780.4 (MANE Select); coding-DNA position 6720, T replaced by G.
Protein change: p.Asp2240Glu; replaces aspartic acid 2240 with glutamic acid.
Molecular consequence: missense variant. On other transcripts: intron variant (1).
Genome position (GRCh38, 1-based): chr8:60,853,445, T>G. VCF-style: chr8-60853445-T-G. GRCh37 (hg19) VCF-style: chr8-61766004-T-G.
Other names: p.Asp2240Glu; c.1717-8784T>G (NM_001316690.1); short protein forms D2240E.
Identifiers: ClinVar variation 961093 (VCV000961093.13), dbSNP rs1805568530, ClinGen allele CA371326177.
Genomic context (GRCh38, chr8:60,853,445, plus strand): 5'-TGTTGAGGTCGGCGCAGACACTGGGTCCAAATCTATTTCAGAGAAAGGTTCCGAAGAGGA[T>G]GAAGAGGAAAAGCTGGAGGATGACGATAAGTCGGAAGAGTCTTCCCAGCCCGAAGGTAAG-3'
Protein context (NP_060250.2, residues 2230-2250): KSISEKGSEE[Asp2240Glu]EEEKLEDDDK

ClinVar aggregate classification (germline): Uncertain significance. Review status: criteria provided, multiple submitters, no conflicts (2 of 4 stars). 4 submissions from 4 submitters: Uncertain significance (3). 1 of the submissions does not count toward it. Last evaluated 2025-06-10.

Conditions:
CHD7-related disorder. Also called: CHD7-related condition.
CHARGE syndrome (CHARGE). Also called: Hittner Hirsch Kreh syndrome; Coloboma, heart anomaly, choanal atresia, retardation, genital and ear anomalies; CHARGE association; Hall-Hittner syndrome; CHARGE ASSOCIATION--COLOBOMA, HEART ANOMALY, CHOANAL ATRESIA, RETARDATION, GENITAL AND EAR ANOMALIES. Identifiers: Orphanet 138, MedGen C0265354, MONDO:0008965.

Submissions (4):

Labcorp Genetics (formerly Invitae), Labcorp
Classification: Uncertain significance for CHARGE syndrome. Last evaluated: 2025-06-10. Review status: criteria provided, single submitter. Criteria: Invitae Variant Classification Sherloc (09022015). Collection method: clinical testing. Allele origin: germline.
Comment: This sequence change replaces aspartic acid, which is acidic and polar, with glutamic acid, which is acidic and polar, at codon 2240 of the CHD7 protein (p.Asp2240Glu). This variant is not present in population databases (gnomAD no frequency). This variant has not been reported in the literature in individuals affected with CHD7-related conditions. ClinVar contains an entry for this variant (Variation ID: 961093). Invitae Evidence Modeling of protein sequence and biophysical properties (such as structural, functional, and spatial information, amino acid conservation, physicochemical variation, residue mobility, and thermodynamic stability) indicates that this missense variant is not expected to disrupt CHD7 protein function with a negative predictive value of 95%. In summary, the available evidence is currently insufficient to determine the role of this variant in disease. Therefore, it has been classified as a Variant of Uncertain Significance.

Blueprint Genetics
Classification: Uncertain significance. Last evaluated: 2024-11-14. Review status: criteria provided, single submitter. Criteria: ACMG Guidelines, 2015. Collection method: clinical testing. Allele origin: germline.

Mayo Clinic Laboratories, Mayo Clinic
Classification: Uncertain significance. Last evaluated: 2022-07-06. Review status: criteria provided, single submitter. Criteria: ACMG Guidelines, 2015. Collection method: clinical testing. Allele origin: germline. Observed: 1 variant allele.
Comment: PP2, PM2_supporting

PreventionGenetics, part of Exact Sciences
Classification: Uncertain significance for CHD7-related condition. Last evaluated: 2023-12-04. Review status: no assertion criteria provided. Collection method: clinical testing. Allele origin: germline. Not counted in ClinVar's aggregate classification.
Comment: The CHD7 c.6720T>G variant is predicted to result in the amino acid substitution p.Asp2240Glu. To our knowledge, this variant has not been reported in the literature or in a large population database, indicating this variant is rare. At this time, the clinical significance of this variant is uncertain due to the absence of conclusive functional and genetic evidence.